The following is an entry in ClinVar:

NM_001365999.1(SZT2):c.4976G>C (p.Arg1659Thr)

Gene: SZT2 (SZT2 subunit of KICSTOR complex; plus strand). Cytogenetic location: 1p34.2.
Variant type: single nucleotide variant.
Coding change: c.4976G>C on transcript NM_001365999.1 (MANE Select); coding-DNA position 4976, G replaced by C.
Protein change: p.Arg1659Thr; replaces arginine 1659 with threonine.
Molecular consequence: missense variant.
Genome position (GRCh38, 1-based): chr1:43,431,324, G>C. VCF-style: chr1-43431324-G-C. GRCh37 (hg19) VCF-style: chr1-43896995-G-C.
Other names: c.4805G>C, p.Arg1602Thr (NM_015284.4); short protein forms R1602T, R1659T.
Identifiers: ClinVar variation 3620693 (VCV003620693.2).

ClinVar aggregate classification (germline): Uncertain significance (1 of 4 stars; one submission).

gnomAD v4.1: 1 of 1,613,482 alleles (0.000062%); highest among the groups gnomAD compares: African/African-American, 0.0013%; no homozygotes.

Submission:

Labcorp Genetics (formerly Invitae), Labcorp
Classification: Uncertain significance. Last evaluated: 2024-08-06. Review status: criteria provided, single submitter. Criteria: Invitae Variant Classification Sherloc (09022015). Collection method: clinical testing. Allele origin: germline.
Comment: This sequence change replaces arginine, which is basic and polar, with threonine, which is neutral and polar, at codon 1602 of the SZT2 protein (p.Arg1602Thr). This variant is not present in population databases (gnomAD no frequency). This variant has not been reported in the literature in individuals affected with SZT2-related conditions. Advanced modeling of protein sequence and biophysical properties (such as structural, functional, and spatial information, amino acid conservation, physicochemical variation, residue mobility, and thermodynamic stability) performed at Invitae indicates that this missense variant is expected to disrupt SZT2 protein function with a positive predictive value of 80%. In summary, the available evidence is currently insufficient to determine the role of this variant in disease. Therefore, it has been classified as a Variant of Uncertain Significance.